The following is an entry in ClinVar:

ClinVar aggregate classification (germline): Uncertain significance (1 of 4 stars; one submission).

Conditions:
Inborn genetic diseases. Identifiers: MedGen C0950123, MeSH D030342.

gnomAD v4.1: 3 of 1,611,450 alleles (0.00019%); highest among the groups gnomAD compares: African/African-American, 0.0027%; no homozygotes.

Submission:

Ambry Genetics
Classification: Uncertain significance for Inborn genetic diseases. Last evaluated: 2024-11-10. Review status: criteria provided, single submitter. Criteria: Ambry Variant Classification Scheme 2023. Collection method: clinical testing. Allele origin: germline.
Comment: The p.A48S variant (also known as c.142G>T), located in coding exon 2 of the GSS gene, results from a G to T substitution at nucleotide position 142. The alanine at codon 48 is replaced by serine, an amino acid with similar properties. This amino acid position is conserved. In addition, the in silico prediction for this alteration is inconclusive. Based on the available evidence, the clinical significance of this variant remains unclear.

NM_000178.4(GSS):c.142G>T (p.Ala48Ser)

Gene: GSS (glutathione synthetase; minus strand). Cytogenetic location: 20q11.22.
Variant type: single nucleotide variant.
Coding change: c.142G>T on transcript NM_000178.4 (MANE Select); coding-DNA position 142, G replaced by T.
Protein change: p.Ala48Ser; replaces alanine 48 with serine.
Molecular consequence: missense variant.
Genome position (GRCh38, 1-based): chr20:34,946,086, C>A on the plus strand (G>T on the coding strand, the complement: GSS is on the minus strand). VCF-style: chr20-34946086-C-A. GRCh37 (hg19) VCF-style: chr20-33533889-C-A.
Other names: c.142G>T, p.Ala48Ser (NM_001322494.1, NM_001322495.1); short protein forms A48S.
Identifiers: ClinVar variation 3523100 (VCV003523100.1).